The following is an entry in ClinVar:

ClinVar aggregate classification (germline): Uncertain significance (1 of 4 stars; one submission).

Conditions:
Familial thoracic aortic aneurysm and aortic dissection (TAAD). Also called: Thoracic aortic aneurysms and dissections. Identifiers: Orphanet 91387, MedGen C4707243, MONDO:0019625.

Allele frequency attached by ClinVar (database versions not stated): gnomAD exomes below 0.00001; gnomAD 0.00001; TOPMed 0.00001.
gnomAD v4.1: 2 of 1,613,866 alleles (0.00012%); highest among the groups gnomAD compares: African/African-American, 0.0027%; no homozygotes.

Submission:

Ambry Genetics
Classification: Uncertain significance for Familial thoracic aortic aneurysm and aortic dissection. Last evaluated: 2023-09-30. Review status: criteria provided, single submitter. Criteria: Ambry Variant Classification Scheme 2023. Collection method: clinical testing. Allele origin: germline.
Comment: The p.L97V variant (also known as c.289C>G), located in coding exon 3 of the TGFBR2 gene, results from a C to G substitution at nucleotide position 289. The leucine at codon 97 is replaced by valine, an amino acid with highly similar properties. This amino acid position is conserved. In addition, this alteration is predicted to be tolerated by in silico analysis. Since supporting evidence is limited at this time, the clinical significance of this alteration remains unclear.

NM_003242.6(TGFBR2):c.289C>G (p.Leu97Val)

Gene: TGFBR2 (transforming growth factor beta receptor 2; plus strand). Cytogenetic location: 3p24.1.
Variant type: single nucleotide variant.
Coding change: c.289C>G on transcript NM_003242.6 (MANE Select); coding-DNA position 289, C replaced by G.
Protein change: p.Leu97Val; replaces leucine 97 with valine.
Molecular consequence: missense variant. On other transcripts: intron variant (2).
Genome position (GRCh38, 1-based): chr3:30,650,295, C>G. VCF-style: chr3-30650295-C-G. GRCh37 (hg19) VCF-style: chr3-30691787-C-G.
Other names: c.364C>G, p.Leu122Val (NM_001024847.3, NM_001407126.1, NM_001407139.1); c.289C>G, p.Leu97Val (NM_001407127.1, NM_001407130.1); c.316C>G, p.Leu106Val (NM_001407128.1); c.184C>G, p.Leu62Val (NM_001407129.1, NM_001407132.1, NM_001407133.1 and 3 more transcripts); c.170-21343C>G (NM_001407137.1); c.95-21343C>G (NM_001407138.1); short protein forms L106V, L122V, L62V, L97V.
Identifiers: ClinVar variation 3223159 (VCV003223159.1), dbSNP rs1223065891, ClinGen allele CA351806755.